The following is an entry in ClinVar:

ClinVar aggregate classification (germline): Likely benign (1 of 4 stars; one submission).

Conditions:
Joubert syndrome 14 (JBTS14). Identifiers: MedGen C3280766, MONDO:0013745, OMIM 614424.

Allele frequency attached by ClinVar (database versions not stated): TOPMed 0.01155; 1000 Genomes Project 30x 0.01171; 1000 Genomes Project 0.01178; gnomAD 0.01390 and 0.01434.

Submission:

Illumina Laboratory Services, Illumina
Classification: Likely benign for Joubert syndrome 14. Last evaluated: 2018-01-13. Review status: criteria provided, single submitter. Criteria: ICSL Variant Classification Criteria 13 December 2019. Collection method: clinical testing. Allele origin: germline.
Comment: This variant was observed in the ICSL laboratory as part of a predisposition screen in an ostensibly healthy population. It had not been previously curated by ICSL or reported in the Human Gene Mutation Database (HGMD: prior to June 1st, 2018), and was therefore a candidate for classification through an automated scoring system. Utilizing variant allele frequency, disease prevalence and penetrance estimates, and inheritance mode, an automated score was calculated to assess if this variant is too frequent to cause the disease. Based on the score and internal cut-off values, a variant classified as likely benign is not then subjected to further curation. The score for this variant resulted in a classification of likely benign for this disease.

NM_001044385.3(TMEM237):c.*3124A>T

Gene: TMEM237 (transmembrane protein 237; minus strand). Cytogenetic location: 2q33.1.
Variant type: single nucleotide variant.
Coding change: c.*3124A>T on transcript NM_001044385.3 (MANE Select); 3124 bases downstream of the stop codon, A replaced by T.
Molecular consequence: 3 prime UTR variant.
Genome position (GRCh38, 1-based): chr2:201,621,131, T>A on the plus strand (A>T on the coding strand, the complement: TMEM237 is on the minus strand). VCF-style: chr2-201621131-T-A. GRCh37 (hg19) VCF-style: chr2-202485854-T-A.
Other names: c.*3124A>T (NM_152388.4).
Identifiers: ClinVar variation 898803 (VCV000898803.4), dbSNP rs79378497, ClinGen allele CA63947932.